The following is an entry in ClinVar:

ClinVar aggregate classification (germline): Likely benign. Review status: criteria provided, single submitter (1 of 4 stars). 2 submissions from 2 submitters: Likely benign (1). 1 of the submissions does not count toward it. Last evaluated 2025-07-02.

Conditions:
CFAP53-related disorder. Also called: CFAP53-related condition.
Heterotaxy, visceral, 6, autosomal (HTX6). Also called: Heterotaxy, visceral, 6, autosomal recessive. Identifiers: Orphanet 450, MedGen C3553676, MONDO:0013887, OMIM 614779.

Allele frequency attached by ClinVar (database versions not stated): 1000 Genomes Project 0.00060; TOPMed 0.00114; ESP Exome Variant Server 0.00131; gnomAD exomes 0.00011 and 0.00029; 1000 Genomes Project 30x 0.00062; ExAC 0.00036; gnomAD 0.00115 and 0.00126.
gnomAD v4.1: 349 of 1,614,218 alleles (0.022%); highest among the groups gnomAD compares: African/African-American, 0.42%; 1 homozygote.

Submissions (2):

Labcorp Genetics (formerly Invitae), Labcorp
Classification: Likely benign for Heterotaxy, visceral, 6, autosomal. Last evaluated: 2025-07-02. Review status: criteria provided, single submitter. Criteria: Invitae Variant Classification Sherloc (09022015). Collection method: clinical testing. Allele origin: germline.

PreventionGenetics, part of Exact Sciences
Classification: Likely benign for CFAP53-related condition. Last evaluated: 2022-05-03. Review status: no assertion criteria provided. Collection method: clinical testing. Allele origin: germline. Not counted in ClinVar's aggregate classification.
Comment: This variant is classified as likely benign based on ACMG/AMP sequence variant interpretation guidelines (Richards et al. 2015 PMID: 25741868, with internal and published modifications).

NM_145020.5(CFAP53):c.194A>G (p.Glu65Gly)

Gene: CFAP53 (cilia and flagella associated protein 53; minus strand). Cytogenetic location: 18q21.1.
Variant type: single nucleotide variant.
Coding change: c.194A>G on transcript NM_145020.5 (MANE Select); coding-DNA position 194, A replaced by G.
Protein change: p.Glu65Gly; replaces glutamic acid 65 with glycine.
Molecular consequence: missense variant.
Genome position (GRCh38, 1-based): chr18:50,262,095, T>C on the plus strand (A>G on the coding strand, the complement: CFAP53 is on the minus strand). VCF-style: chr18-50262095-T-C. GRCh37 (hg19) VCF-style: chr18-47788465-T-C.
Other names: c.194A>G (NM_145020.4); short protein forms E65G.
Identifiers: ClinVar variation 1627515 (VCV001627515.10), dbSNP rs200684225, ClinGen allele CA8962488.